The following is an entry in ClinVar:

NM_000440.3(PDE6A):c.709C>T (p.Arg237Cys)

Gene: PDE6A (phosphodiesterase 6A; minus strand). Cytogenetic location: 5q32.
Variant type: single nucleotide variant.
Coding change: c.709C>T on transcript NM_000440.3 (MANE Select); coding-DNA position 709, C replaced by T.
Protein change: p.Arg237Cys; replaces arginine 237 with cysteine.
Molecular consequence: missense variant.
Genome position (GRCh38, 1-based): chr5:149,933,938, G>A on the plus strand (C>T on the coding strand, the complement: PDE6A is on the minus strand). VCF-style: chr5-149933938-G-A. GRCh37 (hg19) VCF-style: chr5-149313501-G-A.
Other names: c.709C>T (NM_000440.2); short protein forms R237C.
Identifiers: ClinVar variation 1430327 (VCV001430327.8), dbSNP rs761022237, ClinGen allele CA3504982.
Genomic context (GRCh38, chr5:149,933,938, plus strand): 5'-TGCTTCAGGGAAAGGACGAGTCAAGTCCATTCCCTTGGCCCAAGCCCCTTACCTGGCCAC[G>A]TCGAGTTTCACAGTTGTGCAGGTAACTCAGGTGGTACACCTTCATGATTAGATTTGCAAA-3'
Protein context (NP_000431.2, residues 227-247): LSYLHNCETR[Arg237Cys]GQILLWSGSK

ClinVar aggregate classification (germline): Uncertain significance. Review status: criteria provided, multiple submitters, no conflicts (2 of 4 stars). 4 submissions from 4 submitters: Uncertain significance (4). Last evaluated 2025-08-26.

Conditions:
PDE6A-related disorder. Also called: PDE6A-related condition.
Inborn genetic diseases. Identifiers: MedGen C0950123, MeSH D030342.

Allele frequency attached by ClinVar (database versions not stated): TOPMed 0.00001; gnomAD 0.00003; gnomAD exomes 0.00004; ExAC 0.00005.
gnomAD v4.1: 63 of 1,612,426 alleles (0.0039%); highest among the groups gnomAD compares: Non-Finnish European, 0.0043%; no homozygotes.

Submissions (4):

Ambry Genetics
Classification: Uncertain significance for Inborn genetic diseases. Last evaluated: 2025-08-26. Review status: criteria provided, single submitter. Criteria: Ambry Variant Classification Scheme 2023. Collection method: clinical testing. Allele origin: germline.

PreventionGenetics, part of Exact Sciences
Classification: Uncertain significance for PDE6A-related condition. Last evaluated: 2024-12-09. Review status: criteria provided, single submitter. Criteria: ACMG Guidelines, 2015. Collection method: clinical testing. Allele origin: germline.
Comment: The PDE6A c.709C>T variant is predicted to result in the amino acid substitution p.Arg237Cys. To our knowledge, this variant has not been reported in the literature. This variant is reported in 0.0062% of alleles in individuals of European (Non-Finnish) descent in gnomAD. At this time, the clinical significance of this variant is uncertain due to the absence of conclusive functional and genetic evidence.

Labcorp Genetics (formerly Invitae), Labcorp
Classification: Uncertain significance. Last evaluated: 2022-08-16. Review status: criteria provided, single submitter. Criteria: Invitae Variant Classification Sherloc (09022015). Collection method: clinical testing. Allele origin: germline.
Comment: In summary, the available evidence is currently insufficient to determine the role of this variant in disease. Therefore, it has been classified as a Variant of Uncertain Significance. Algorithms developed to predict the effect of missense changes on protein structure and function are either unavailable or do not agree on the potential impact of this missense change (SIFT: "Deleterious"; PolyPhen-2: "Benign"; Align-GVGD: "Class C25"). ClinVar contains an entry for this variant (Variation ID: 1430327). This variant has not been reported in the literature in individuals affected with PDE6A-related conditions. This variant is present in population databases (rs761022237, gnomAD 0.006%). This sequence change replaces arginine, which is basic and polar, with cysteine, which is neutral and slightly polar, at codon 237 of the PDE6A protein (p.Arg237Cys).

Blueprint Genetics
Classification: Uncertain significance. Last evaluated: 2019-08-23. Review status: criteria provided, single submitter. Criteria: ACMG Guidelines, 2015. Collection method: clinical testing. Allele origin: germline.